The following is an entry in ClinVar:

NM_005732.4(RAD50):c.179G>C (p.Gly60Ala)

Gene: RAD50 (RAD50 double strand break repair protein; plus strand). Cytogenetic location: 5q31.1.
Variant type: single nucleotide variant.
Coding change: c.179G>C on transcript NM_005732.4 (MANE Select); coding-DNA position 179, G replaced by C.
Protein change: p.Gly60Ala; replaces glycine 60 with alanine.
Molecular consequence: missense variant.
Genome position (GRCh38, 1-based): chr5:132,559,333, G>C. VCF-style: chr5-132559333-G-C. GRCh37 (hg19) VCF-style: chr5-131895025-G-C.
Other names: short protein forms G60A.
Identifiers: ClinVar variation 3312307 (VCV003312307.1).

ClinVar aggregate classification (germline): Uncertain significance (1 of 4 stars; one submission).

Conditions:
Hereditary cancer-predisposing syndrome. Also called: Neoplastic Syndromes, Hereditary; Tumor predisposition; Hereditary neoplastic syndrome; Hereditary Cancer Syndrome. Identifiers: Orphanet 140162, MedGen C0027672, MeSH D009386, MONDO:0015356.

Submission:

Ambry Genetics
Classification: Uncertain significance for Hereditary cancer-predisposing syndrome. Last evaluated: 2024-03-31. Review status: criteria provided, single submitter. Criteria: Ambry Variant Classification Scheme 2023. Collection method: clinical testing. Allele origin: germline.
Comment: The p.G60A variant (also known as c.179G>C), located in coding exon 2 of the RAD50 gene, results from a G to C substitution at nucleotide position 179. The glycine at codon 60 is replaced by alanine, an amino acid with similar properties. This amino acid position is conserved. In addition, the in silico prediction for this alteration is inconclusive. Based on the available evidence, the clinical significance of this alteration remains unclear.